The following is an entry in ClinVar:

ClinVar aggregate classification (germline): Pathogenic (1 of 4 stars; one submission).

Conditions:
Intellectual disability, autosomal recessive 53 (NEDHSCA). Also called: NEURODEVELOPMENTAL DISORDER WITH OR WITHOUT HYPOTONIA, SEIZURES, AND CEREBELLAR ATROPHY; GLYCOSYLPHOSPHATIDYLINOSITOL BIOSYNTHESIS DEFECT 13; Mental retardation, autosomal recessive 53. Identifiers: Orphanet 488635, MedGen C4310794, MONDO:0014832, OMIM 616917.

Submission:

Labcorp Genetics (formerly Invitae), Labcorp
Classification: Pathogenic for Intellectual disability, autosomal recessive 53. Last evaluated: 2021-02-11. Review status: criteria provided, single submitter. Criteria: Invitae Variant Classification Sherloc (09022015). Collection method: clinical testing. Allele origin: germline.
Comment: This sequence change creates a premature translational stop signal (p.Ala515Valfs*87) in the PIGG gene. It is expected to result in an absent or disrupted protein product. Loss-of-function variants in PIGG are known to be pathogenic (PMID: 26996948, 28581210, 28771251). This variant is not present in population databases (ExAC no frequency). This variant has not been reported in the literature in individuals with PIGG-related conditions. Algorithms developed to predict the effect of sequence changes on RNA splicing suggest that this variant may create or strengthen a splice site, but this prediction has not been confirmed by published transcriptional studies. For these reasons, this variant has been classified as Pathogenic.

Literature cited by the submitters: PubMed 26996948; PubMed 28581210; PubMed 28771251.

NM_001127178.3(PIGG):c.1544_1545del (p.Ala515fs)

Gene: PIGG (phosphatidylinositol glycan anchor biosynthesis class G (EMM blood group); plus strand). Cytogenetic location: 4p16.3.
Variant type: Deletion.
Coding change: c.1544_1545del on transcript NM_001127178.3 (MANE Select); coding-DNA positions 1544 to 1545, 2 bases deleted (CC; older notation c.1544_1545delCC).
Protein change: p.Ala515fs; shifts the reading frame from alanine 515.
Molecular consequence: frameshift variant. On other transcripts: 3 prime UTR variant (2), non-coding transcript variant (10).
Genome position (GRCh38, 1-based): chr4:521,871-521,872, CC deleted. VCF-style (leftmost placement, unchanged base first): chr4-521870-GCC-G. GRCh37 (hg19) VCF-style: chr4-515659-GCC-G.
Other names: c.1277_1278del, p.Ala426fs (NM_001289051.2, NM_001289053.2, NM_001345986.2); c.1145_1146del, p.Ala382fs (NM_001289052.2); c.*106_*107del (NM_001289055.2); c.*159_*160del (NM_001289057.2); c.1253_1254del, p.Ala418fs (NM_001345987.2); c.515_516del, p.Ala172fs (NM_001345988.2); c.1544_1545del, p.Ala515fs (NM_001345989.2); c.11_12del, p.Ala4fs (NM_001345990.2, NM_001345991.2); and 2 more; short protein forms A382fs, A4fs, A149fs, A172fs, A507fs, A515fs, A426fs, A418fs.
Identifiers: ClinVar variation 1387516 (VCV001387516.6), dbSNP rs2108949204, ClinGen allele CA2573137500.
Genomic context (GRCh38, chr4:521,870, plus strand): 5'-GAAAGTTCGTGCTACTTCTGTGGCCTCTCGTGGCTGGCGGCAGGTGGGGTGATGGTGCTG[GCC>G]TCGGCGCTGCTGTGTGTGATTGTGTCTGTTCTGACCAACGTGCTCGTGGGTGGAAACACC-3'